The following is an entry in ClinVar:

NM_138420.4(AHNAK2):c.6044C>A (p.Ala2015Glu)

Gene: AHNAK2 (AHNAK nucleoprotein 2; minus strand). Cytogenetic location: 14q32.33.
Variant type: single nucleotide variant.
Coding change: c.6044C>A on transcript NM_138420.4 (MANE Select); coding-DNA position 6044, C replaced by A.
Protein change: p.Ala2015Glu; replaces alanine 2015 with glutamic acid.
Molecular consequence: missense variant.
Genome position (GRCh38, 1-based): chr14:104,949,407, G>T on the plus strand (C>A on the coding strand, the complement: AHNAK2 is on the minus strand). VCF-style: chr14-104949407-G-T. GRCh37 (hg19) VCF-style: chr14-105415744-G-T.
Other names: c.5744C>A, p.Ala1915Glu (NM_001350929.2); short protein forms A1915E, A2015E.
Identifiers: ClinVar variation 2644762 (VCV002644762.24), dbSNP rs748398097, ClinGen allele CA7381376.

ClinVar aggregate classification (germline): Benign (1 of 4 stars; one submission).

Allele frequency attached by ClinVar (database versions not stated): gnomAD exomes 0.00006; ExAC 0.00012; 1000 Genomes Project 30x 0.00031; gnomAD 0.00037.
gnomAD v4.1: 143 of 1,583,486 alleles (0.009%); highest among the groups gnomAD compares: African/African-American, 0.13%; 13 homozygotes.

Submission:

CeGaT Center for Human Genetics Tuebingen
Classification: Benign. Last evaluated: 2022-06-01. Review status: criteria provided, single submitter. Criteria: CeGaT Center For Human Genetics Tuebingen Variant Classification Criteria Version 2. Collection method: clinical testing. Allele origin: germline. Affected: yes. Observed: 1 variant allele.
Comment: AHNAK2: BS1, BS2